The following is an entry in ClinVar:

NM_000179.3(MSH6):c.3172+5G>C

Gene: MSH6 (mutS homolog 6; plus strand). Cytogenetic location: 2p16.3.
Variant type: single nucleotide variant.
Coding change: c.3172+5G>C on transcript NM_000179.3 (MANE Select); 5 bases into the intron after coding-DNA position 3172, G replaced by C.
Molecular consequence: intron variant.
Genome position (GRCh38, 1-based): chr2:47,801,160, G>C. VCF-style: chr2-47801160-G-C. GRCh37 (hg19) VCF-style: chr2-48028299-G-C.
Other names: c.2266+5G>C (NM_001281493.2, NM_001281494.2); c.2782+5G>C (NM_001281492.2).
Identifiers: ClinVar variation 1728445 (VCV001728445.4), dbSNP rs876659857, ClinGen allele CA46713091.
Genomic context (GRCh38, chr2:47,801,160, plus strand): 5'-CTTTGATAAAAATTACAAGGACTGGCAGTCTGCTGTAGAGTGTATCGCAGTGTTGGGTAA[G>C]ACTTTGAACAAGCTTGTTCTCAGGCTTTGATAAGTAGTGCTGTTTGCCAGCTGTATATTA-3'

ClinVar aggregate classification (germline): Uncertain significance. Review status: criteria provided, multiple submitters, no conflicts (2 of 4 stars). 2 submissions from 2 submitters: Uncertain significance (2). Last evaluated 2024-09-12.

Conditions:
Hereditary cancer-predisposing syndrome. Also called: Tumor predisposition; Neoplastic Syndromes, Hereditary; Hereditary Cancer Syndrome; Hereditary neoplastic syndrome. Identifiers: Orphanet 140162, MedGen C0027672, MeSH D009386, MONDO:0015356.
Hereditary nonpolyposis colorectal neoplasms. Identifiers: MedGen C0009405, MeSH D003123.

Allele frequency attached by ClinVar (database versions not stated): gnomAD exomes below 0.00001.

Submissions (2):

Labcorp Genetics (formerly Invitae), Labcorp
Classification: Uncertain significance for Hereditary nonpolyposis colorectal neoplasms. Last evaluated: 2024-09-12. Review status: criteria provided, single submitter. Criteria: Invitae Variant Classification Sherloc (09022015). Collection method: clinical testing. Allele origin: germline.
Comment: This sequence change falls in intron 4 of the MSH6 gene. It does not directly change the encoded amino acid sequence of the MSH6 protein. It affects a nucleotide within the consensus splice site. This variant is not present in population databases (gnomAD no frequency). This variant has not been reported in the literature in individuals affected with MSH6-related conditions. ClinVar contains an entry for this variant (Variation ID: 1728445). Variants that disrupt the consensus splice site are a relatively common cause of aberrant splicing (PMID: 17576681, 9536098). Algorithms developed to predict the effect of sequence changes on RNA splicing suggest that this variant may disrupt the consensus splice site. In summary, the available evidence is currently insufficient to determine the role of this variant in disease. Therefore, it has been classified as a Variant of Uncertain Significance.

Ambry Genetics
Classification: Uncertain significance for Hereditary cancer-predisposing syndrome. Last evaluated: 2023-11-03. Review status: criteria provided, single submitter. Criteria: Ambry Variant Classification Scheme 2023. Collection method: clinical testing. Allele origin: germline.
Comment: The c.3172+5G>C intronic variant results from a G to C substitution 5 nucleotides after coding exon 4 in the MSH6 gene. This nucleotide position is highly conserved in available vertebrate species. In silico splice site analysis predicts that this alteration will weaken the native splice donor site; however, direct evidence is insufficient at this time (Ambry internal data). Since supporting evidence is limited at this time, the clinical significance of this alteration remains unclear.

Literature cited by the submitters: PubMed 17576681 (cited by Labcorp Genetics (formerly Invitae), Labcorp); PubMed 9536098 (cited by Labcorp Genetics (formerly Invitae), Labcorp).